The following is an entry in ClinVar:

NM_001378778.1(MPDZ):c.5215A>G (p.Ser1739Gly)

Gene: MPDZ (multiple PDZ domain crumbs cell polarity complex component; minus strand). Cytogenetic location: 9p23.
Variant type: single nucleotide variant.
Coding change: c.5215A>G on transcript NM_001378778.1 (MANE Select); coding-DNA position 5215, A replaced by G.
Protein change: p.Ser1739Gly; replaces serine 1739 with glycine.
Molecular consequence: missense variant.
Genome position (GRCh38, 1-based): chr9:13,121,755, T>C on the plus strand (A>G on the coding strand, the complement: MPDZ is on the minus strand). VCF-style: chr9-13121755-T-C. GRCh37 (hg19) VCF-style: chr9-13121754-T-C.
Other names: c.5116A>G, p.Ser1706Gly (NM_001261406.2, NM_001261407.2, NM_001375416.1 and 3 more transcripts); c.5215A>G, p.Ser1739Gly (NM_001330637.2, NM_003829.5); c.5314A>G, p.Ser1772Gly (NM_001375413.1); c.5005A>G, p.Ser1669Gly (NM_001375420.1, NM_001375421.1, NM_001375422.1 and 4 more transcripts); c.4807A>G, p.Ser1603Gly (NM_001375427.1); short protein forms S1603G, S1706G, S1772G, S1669G, S1739G.
Identifiers: ClinVar variation 1463168 (VCV001463168.6), dbSNP rs1374913018, ClinGen allele CA372944133.
Genomic context (GRCh38, chr9:13,121,755, plus strand): 5'-CATCATTTCCAAGGGAGCATTGGGTTTGTCCTCCTCAATCACACCTTTTACCAACAATAC[T>C]TAATCCTAGGCCTTTTCCCGGCTTCTTCTGCAGCTCAATAGTGAGGGTGTCACACACTTC-3'
Protein context (NP_001365707.1, residues 1729-1749): QKKPGKGLGL[Ser1739Gly]IVGKRNDTGV

ClinVar aggregate classification (germline): Uncertain significance (1 of 4 stars; one submission).

Allele frequency attached by ClinVar (database versions not stated): TOPMed below 0.00001; gnomAD 0.00001; gnomAD exomes 0.00001.
gnomAD v4.1: 8 of 1,613,856 alleles (0.0005%); highest among the groups gnomAD compares: Non-Finnish European, 0.00059%; no homozygotes.

Submission:

Labcorp Genetics (formerly Invitae), Labcorp
Classification: Uncertain significance. Last evaluated: 2024-10-26. Review status: criteria provided, single submitter. Criteria: Invitae Variant Classification Sherloc (09022015). Collection method: clinical testing. Allele origin: germline.
Comment: This sequence change replaces serine, which is neutral and polar, with glycine, which is neutral and non-polar, at codon 1739 of the MPDZ protein (p.Ser1739Gly). This variant is present in population databases (no rsID available, gnomAD 0.002%). This variant has not been reported in the literature in individuals affected with MPDZ-related conditions. ClinVar contains an entry for this variant (Variation ID: 1463168). An algorithm developed to predict the effect of missense changes on protein structure and function (PolyPhen-2) suggests that this variant is likely to be disruptive. Algorithms developed to predict the effect of sequence changes on RNA splicing suggest that this variant may disrupt the consensus splice site. In summary, the available evidence is currently insufficient to determine the role of this variant in disease. Therefore, it has been classified as a Variant of Uncertain Significance.